The following is an entry in ClinVar:

ClinVar aggregate classification (germline): Uncertain significance. Review status: criteria provided, multiple submitters, no conflicts (2 of 4 stars). 2 submissions from 2 submitters: Uncertain significance (2). Last evaluated 2024-11-04.

Conditions:
Epidermolysis bullosa simplex 5B, with muscular dystrophy (EBS5B). Also called: EPIDERMOLYSIS BULLOSA SIMPLEX AND LIMB-GIRDLE MUSCULAR DYSTROPHY; Epidermolysis bullosa simplex with muscular dystrophy. Identifiers: Orphanet 257, MedGen C2931072, MONDO:0009181, OMIM 226670.
Epidermolysis bullosa simplex with nail dystrophy (EBS5D). Identifiers: MedGen C4225309, MONDO:0014661, OMIM 616487.
Epidermolysis bullosa simplex 5C, with pyloric atresia (EBS5C). Also called: PLEC-Related Epidermolysis Bullosa with Pyloric Atresia; Epidermolysis bullosa simplex with pyloric atresia; PLEC1-Related Epidermolysis Bullosa with Pyloric Atresia. Identifiers: Orphanet 158684, MedGen C2677349, MONDO:0012807, OMIM 612138.
Autosomal recessive limb-girdle muscular dystrophy type 2Q (LGMDR17). Also called: MUSCULAR DYSTROPHY, LIMB-GIRDLE, AUTOSOMAL RECESSIVE 17. Identifiers: Orphanet 254361, MedGen C3150989, MONDO:0013390, OMIM 613723.
Epidermolysis bullosa simplex, Ogna type (EBS5A). Also called: EPIDERMOLYSIS BULLOSA SIMPLEX 5A, OGNA TYPE; Pidermolysis bullosa simplex 5A, Ogna type. Identifiers: Orphanet 79401, MedGen C0432317, MONDO:0007555, OMIM 131950.

Allele frequency attached by ClinVar (database versions not stated): TOPMed below 0.00001; ExAC 0.00001.
gnomAD v4.1: 9 of 1,598,942 alleles (0.00056%); highest among the groups gnomAD compares: East Asian, 0.0022%; no homozygotes.

Submissions (2):

Labcorp Genetics (formerly Invitae), Labcorp
Classification: Uncertain significance for Autosomal recessive limb-girdle muscular dystrophy type 2Q; Epidermolysis bullosa simplex, Ogna type; Epidermolysis bullosa simplex with nail dystrophy; Epidermolysis bullosa simplex 5C, with pyloric atresia; Epidermolysis bullosa simplex 5B, with muscular dystrophy. Last evaluated: 2024-11-04. Review status: criteria provided, single submitter. Criteria: Invitae Variant Classification Sherloc (09022015). Collection method: clinical testing. Allele origin: germline.
Comment: This sequence change replaces glutamic acid, which is acidic and polar, with lysine, which is basic and polar, at codon 1962 of the PLEC protein (p.Glu1962Lys). This variant is present in population databases (rs782279963, gnomAD 0.01%). This variant has not been reported in the literature in individuals affected with PLEC-related conditions. ClinVar contains an entry for this variant (Variation ID: 2434969). Experimental studies and prediction algorithms are not available or were not evaluated, and the functional significance of this variant is currently unknown. In summary, the available evidence is currently insufficient to determine the role of this variant in disease. Therefore, it has been classified as a Variant of Uncertain Significance.

Revvity Omics, Revvity
Classification: Uncertain significance. Last evaluated: 2020-11-21. Review status: criteria provided, single submitter. Criteria: ACMG Guidelines, 2015. Collection method: clinical testing. Allele origin: germline.

NM_201384.3(PLEC):c.5803G>A (p.Glu1935Lys)

Gene: PLEC (plectin; minus strand). Cytogenetic location: 8q24.3.
Variant type: single nucleotide variant.
Coding change: c.5803G>A on transcript NM_201384.3 (MANE Select); coding-DNA position 5803, G replaced by A.
Protein change: p.Glu1935Lys; replaces glutamic acid 1935 with lysine.
Molecular consequence: missense variant.
Genome position (GRCh38, 1-based): chr8:143,924,126, C>T on the plus strand (G>A on the coding strand, the complement: PLEC is on the minus strand). VCF-style: chr8-143924126-C-T. GRCh37 (hg19) VCF-style: chr8-144998294-C-T.
Other names: c.5884G>A, p.Glu1962Lys (NM_000445.5); c.5761G>A, p.Glu1921Lys (NM_201378.4); c.5737G>A, p.Glu1913Lys (NM_201379.3); c.6214G>A, p.Glu2072Lys (NM_201380.4); c.5707G>A, p.Glu1903Lys (NM_201381.3); c.5803G>A, p.Glu1935Lys (NM_201382.4); c.5815G>A, p.Glu1939Lys (NM_201383.3); short protein forms E1903K, E1913K, E1921K, E1935K, E1939K, E1962K, E2072K.
Identifiers: ClinVar variation 2434969 (VCV002434969.5), dbSNP rs782279963, ClinGen allele CA4926235.